The following is an entry in ClinVar:

NM_001037333.3(CYFIP2):c.2083A>T (p.Asn695Tyr)

Gene: CYFIP2 (cytoplasmic FMR1 interacting protein 2; plus strand). Cytogenetic location: 5q33.3.
Variant type: single nucleotide variant.
Coding change: c.2083A>T on transcript NM_001037333.3 (MANE Select); coding-DNA position 2083, A replaced by T.
Protein change: p.Asn695Tyr; replaces asparagine 695 with tyrosine.
Molecular consequence: missense variant.
Genome position (GRCh38, 1-based): chr5:157,327,976, A>T. VCF-style: chr5-157327976-A-T. GRCh37 (hg19) VCF-style: chr5-156754984-A-T.
Other names: c.2005A>T, p.Asn669Tyr (NM_001291721.2); c.2158A>T, p.Asn720Tyr (NM_001291722.2); c.2083A>T, p.Asn695Tyr (NM_014376.4); short protein forms N669Y, N695Y, N720Y.
Identifiers: ClinVar variation 3252266 (VCV003252266.1), dbSNP rs1761160514.

ClinVar aggregate classification (germline): Uncertain significance (1 of 4 stars; one submission).

Submission:

GeneDx
Classification: Uncertain significance. Last evaluated: 2023-12-09. Review status: criteria provided, single submitter. Criteria: GeneDx Variant Classification Process June 2021. Collection method: clinical testing. Allele origin: germline. Affected: yes.
Comment: Not observed at significant frequency in large population cohorts (gnomAD); In silico analysis supports that this missense variant has a deleterious effect on protein structure/function; Has not been previously published as pathogenic or benign to our knowledge